The following is an entry in ClinVar:

ClinVar aggregate classification (germline): Pathogenic (1 of 4 stars; one submission).

Conditions:
Mucopolysaccharidosis, MPS-III-D (MPS3D). Also called: MPS IIID (Sanfilippo Syndrome Type D); N-ACETYLGLUCOSAMINE-6-SULFATASE DEFICIENCY; SANFILIPPO SYNDROME D; MPS III D; Mucopoly-saccharidosis type 3D; N-acetylglucosamine-6-sulfate sulfatase deficiency. Identifiers: Orphanet 581, Orphanet 79272, MedGen C0086650, MONDO:0009658, OMIM 252940.

Submission:

Labcorp Genetics (formerly Invitae), Labcorp
Classification: Pathogenic for Mucopolysaccharidosis, MPS-III-D. Last evaluated: 2022-11-12. Review status: criteria provided, single submitter. Criteria: Invitae Variant Classification Sherloc (09022015). Collection method: clinical testing. Allele origin: germline.
Comment: For these reasons, this variant has been classified as Pathogenic. This variant has not been reported in the literature in individuals affected with GNS-related conditions. This variant is not present in population databases (gnomAD no frequency). This sequence change creates a premature translational stop signal (p.Arg17Profs*90) in the GNS gene. It is expected to result in an absent or disrupted protein product. Loss-of-function variants in GNS are known to be pathogenic (PMID: 20232353).

Literature cited by the submitters: PubMed 20232353.

NM_002076.4(GNS):c.49dup (p.Arg17fs)

Gene: GNS (glucosamine (N-acetyl)-6-sulfatase; minus strand). Cytogenetic location: 12q14.3.
Variant type: Duplication.
Coding change: c.49dup on transcript NM_002076.4 (MANE Select); coding-DNA position 49, one base duplicated (C; older notation c.49dupC).
Protein change: p.Arg17fs; shifts the reading frame from arginine 17.
Molecular consequence: frameshift variant.
Genome position (GRCh38, 1-based): chr12:64,759,228, G duplicated on the plus strand (C on the coding strand, the reverse complement: GNS is on the minus strand); the first of 5 consecutive G bases (chr12:64,759,228-64,759,232); duplicating any one gives the same sequence. VCF-style (leftmost placement, unchanged base first): chr12-64759227-C-CG. GRCh37 (hg19) VCF-style: chr12-65153007-C-CG.
Other names: short protein forms R17fs.
Identifiers: ClinVar variation 2813749 (VCV002813749.3), dbSNP rs1870392122, ClinGen allele CA948589561.